The following is an entry in ClinVar:

ClinVar aggregate classification (germline): Likely pathogenic. Review status: criteria provided, single submitter (1 of 4 stars). 2 submissions from 2 submitters: Likely pathogenic (1). 1 of the submissions does not count toward it. Last evaluated 2024-06-20.

Conditions:
Pulmonary alveolar proteinosis with hypogammaglobulinemia. Identifiers: Orphanet 572428, MedGen C4747984, MONDO:0020840, OMIM 618042.

Submissions (2):

Labcorp Genetics (formerly Invitae), Labcorp
Classification: Likely pathogenic. Last evaluated: 2024-06-20. Review status: criteria provided, single submitter. Criteria: Invitae Variant Classification Sherloc (09022015). Collection method: clinical testing. Allele origin: germline.
Comment: This sequence change replaces leucine, which is neutral and non-polar, with valine, which is neutral and non-polar, at codon 198 of the OAS1 protein (p.Leu198Val). This variant is not present in population databases (gnomAD no frequency). This missense change has been observed in individual(s) with pulmonary alveolar proteinosis with hypogammaglobulinemia (PMID: 29455859). In at least one individual the variant was observed to be de novo. ClinVar contains an entry for this variant (Variation ID: 548129). Algorithms developed to predict the effect of missense changes on protein structure and function output the following: SIFT: "Not Available"; PolyPhen-2: "Benign"; Align-GVGD: "Not Available". The valine amino acid residue is found in multiple mammalian species, which suggests that this missense change does not adversely affect protein function. Experimental studies have shown that this missense change affects OAS1 function (PMID: 34145065). In summary, the currently available evidence indicates that the variant is pathogenic, but additional data are needed to prove that conclusively. Therefore, this variant has been classified as Likely Pathogenic.

OMIM
Classification: Uncertain significance for IMMUNODEFICIENCY 100 WITH PULMONARY ALVEOLAR PROTEINOSIS AND HYPOGAMMAGLOBULINEMIA. Last evaluated: 2018-07-05. Review status: no assertion criteria provided. Collection method: literature only. Allele origin: germline. Not counted in ClinVar's aggregate classification.

Literature cited by the submitters: PubMed 29455859 (cited by Labcorp Genetics (formerly Invitae), Labcorp and OMIM); PubMed 34145065 (cited by Labcorp Genetics (formerly Invitae), Labcorp and OMIM); PubMed 29185156 (cited by OMIM).

NM_016816.4(OAS1):c.592C>G (p.Leu198Val)

Gene: OAS1 (2'-5'-oligoadenylate synthetase 1; plus strand). Cytogenetic location: 12q24.13.
Variant type: single nucleotide variant.
Coding change: c.592C>G on transcript NM_016816.4 (MANE Select); coding-DNA position 592, C replaced by G.
Protein change: p.Leu198Val; replaces leucine 198 with valine.
Molecular consequence: missense variant.
Genome position (GRCh38, 1-based): chr12:112,911,173, C>G. VCF-style: chr12-112911173-C-G. GRCh37 (hg19) VCF-style: chr12-113348978-C-G.
Other names: c.592C>G, p.Leu198Val (NM_001032409.3, NM_001320151.2, NM_002534.4); short protein forms L198V.
Identifiers: ClinVar variation 548129 (VCV000548129.125), dbSNP rs1555223390, ClinGen allele CA386803383.